The following is an entry in ClinVar:

ClinVar aggregate classification (germline): Likely benign (0 of 4 stars; one submission).

Conditions:
VEZF1-related disorder. Also called: VEZF1-related condition.

Allele frequency attached by ClinVar (database versions not stated): ExAC 0.00181; gnomAD exomes 0.00335; gnomAD 0.00741.

Submission:

PreventionGenetics, part of Exact Sciences
Classification: Likely benign for VEZF1-related condition. Last evaluated: 2023-04-11. Review status: no assertion criteria provided. Collection method: clinical testing. Allele origin: germline.
Comment: This variant is classified as likely benign based on ACMG/AMP sequence variant interpretation guidelines (Richards et al. 2015 PMID: 25741868, with internal and published modifications).

NM_007146.3(VEZF1):c.1041_1042del (p.Gln348fs)

Gene: VEZF1 (vascular endothelial zinc finger 1; minus strand). Cytogenetic location: 17q22.
Variant type: Deletion.
Coding change: c.1041_1042del on transcript NM_007146.3 (MANE Select); coding-DNA positions 1041 to 1042, 2 bases deleted (GC; older notation c.1041_1042delGC).
Protein change: p.Gln348fs; shifts the reading frame from glutamine 348.
Molecular consequence: frameshift variant.
Genome position (GRCh38, 1-based): chr17:57,979,248-57,979,249, GC deleted on the plus strand (GC on the coding strand, the reverse complement: VEZF1 is on the minus strand). VCF-style (leftmost placement, unchanged base first): chr17-57979247-TGC-T. GRCh37 (hg19) VCF-style: chr17-56056608-TGC-T.
Other names: c.1014_1015del, p.Gln339fs (NM_001330393.2); short protein forms Q339fs, Q348fs.
Identifiers: ClinVar variation 3056939 (VCV003056939.2), dbSNP rs775689252, ClinGen allele CA8667401.